The following is an entry in ClinVar:

NM_001387430.1(SH2B1):c.390C>T (p.Ala130=)

Gene: SH2B1 (SH2B adaptor protein 1; plus strand). Cytogenetic location: 16p11.2.
Variant type: single nucleotide variant.
Coding change: c.390C>T on transcript NM_001387430.1 (MANE Select); coding-DNA position 390, C replaced by T.
Protein change: p.Ala130=; no amino-acid change (alanine 130 retained).
Molecular consequence: synonymous variant. On other transcripts: intron variant (1).
Genome position (GRCh38, 1-based): chr16:28,866,484, C>T. VCF-style: chr16-28866484-C-T. GRCh37 (hg19) VCF-style: chr16-28877805-C-T.
Other names: c.390C>T, p.Ala130= (NM_001145795.2, NM_001145796.2, NM_001145797.2 and 4 more transcripts); c.-26-890C>T (NM_001308294.2).
Identifiers: ClinVar variation 3029133 (VCV003029133.3), dbSNP rs543147238, ClinGen allele CA7985917.

ClinVar aggregate classification (germline): Likely benign. Review status: criteria provided, single submitter (1 of 4 stars). 2 submissions from 2 submitters: Likely benign (1). 1 of the submissions does not count toward it. Last evaluated 2025-11-01.

Conditions:
SH2B1-related disorder. Also called: SH2B1-related condition.

Allele frequency attached by ClinVar (database versions not stated): ExAC 0.00002; TOPMed 0.00004; gnomAD 0.00002.
gnomAD v4.1: 17 of 1,614,076 alleles (0.0011%); highest among the groups gnomAD compares: Admixed American, 0.005%; 1 homozygote.

Submissions (2):

Labcorp Genetics (formerly Invitae), Labcorp
Classification: Likely benign. Last evaluated: 2025-11-01. Review status: criteria provided, single submitter. Criteria: Invitae Variant Classification Sherloc (09022015). Collection method: clinical testing. Allele origin: germline.

PreventionGenetics, part of Exact Sciences
Classification: Likely benign for SH2B1-related condition. Last evaluated: 2022-03-23. Review status: no assertion criteria provided. Collection method: clinical testing. Allele origin: germline. Not counted in ClinVar's aggregate classification.
Comment: This variant is classified as likely benign based on ACMG/AMP sequence variant interpretation guidelines (Richards et al. 2015 PMID: 25741868, with internal and published modifications).